The following is an entry in ClinVar:

NM_004408.4(DNM1):c.2466C>G (p.Ser822=)

Genes: DNM1 (dynamin 1; plus strand), LOC130002699 (ATAC-STARR-seq lymphoblastoid silent region 20333; plus strand). Cytogenetic location: 9q34.11.
Variant type: single nucleotide variant.
Coding change: c.2466C>G on transcript NM_004408.4 (MANE Select); coding-DNA position 2466, C replaced by G.
Protein change: p.Ser822=; no amino-acid change (serine 822 retained).
Molecular consequence: synonymous variant.
Genome position (GRCh38, 1-based): chr9:128,250,872, C>G. VCF-style: chr9-128250872-C-G. GRCh37 (hg19) VCF-style: chr9-131013151-C-G.
Other names: c.2466C>G, p.Ser822= (NM_001005336.3, NM_001288737.2, NM_001288738.2 and 1 more transcripts).
Identifiers: ClinVar variation 510495 (VCV000510495.1), dbSNP rs1554785772, ClinGen allele CA467267146.

ClinVar aggregate classification (germline): Likely benign (1 of 4 stars; one submission).

Submission:

GeneDx
Classification: Likely benign. Last evaluated: 2017-06-23. Review status: criteria provided, single submitter. Criteria: GeneDx Variant Classification (06012015). Collection method: clinical testing. Allele origin: germline. Affected: yes.
Comment: This variant is considered likely benign or benign based on one or more of the following criteria: it is a conservative change, it occurs at a poorly conserved position in the protein, it is predicted to be benign by multiple in silico algorithms, and/or has population frequency not consistent with disease.